The following is an entry in ClinVar:

NM_012186.3(FOXE3):c.311G>A (p.Arg104His)

Genes: FOXE3 (forkhead box E3; plus strand), LINC01389 (long independently transcribed non-coding RNA 1389; minus strand). Cytogenetic location: 1p33.
Variant type: single nucleotide variant.
Coding change: c.311G>A on transcript NM_012186.3 (MANE Select); coding-DNA position 311, G replaced by A.
Protein change: p.Arg104His; replaces arginine 104 with histidine.
Molecular consequence: missense variant.
Genome position (GRCh38, 1-based): chr1:47,416,626, G>A. VCF-style: chr1-47416626-G-A. GRCh37 (hg19) VCF-style: chr1-47882298-G-A.
Other names: short protein forms R104H.
Identifiers: ClinVar variation 1727844 (VCV001727844.5), dbSNP rs779431323, ClinGen allele CA340249501.
Genomic context (GRCh38, chr1:47,416,626, plus strand): 5'-TGGCGCACGCCCCGGGCCGCCGCCTCACGCTGGCCGCCATCTACCGCTTCATCACCGAAC[G>A]CTTTGCCTTCTACCGCGACAGCCCGCGCAAGTGGCAGAACAGCATCCGCCACAATCTCAC-3'
Protein context (NP_036318.1, residues 94-114): LAAIYRFITE[Arg104His]FAFYRDSPRK

ClinVar aggregate classification (germline): Uncertain significance. Review status: criteria provided, multiple submitters, no conflicts (2 of 4 stars). 2 submissions from 2 submitters: Uncertain significance (2). Last evaluated 2024-05-16.

Conditions:
Congenital primary aphakia. Also called: ANTERIOR SEGMENT DYSGENESIS 2; Anterior segment dysgenesis 2, multiple subtypes. Identifiers: Orphanet 83461, MedGen C1853230, MONDO:0012456, OMIM 610256.
Anterior segment dysgenesis. Also called: Ocular anterior segment dysgenesis. Identifiers: Orphanet 88632, MedGen C1862839, MONDO:0019503, HP:0007700.
Cardiovascular phenotype. Identifiers: MedGen CN230736.

Submissions (2):

Labcorp Genetics (formerly Invitae), Labcorp
Classification: Uncertain significance for Anterior segment dysgenesis; Congenital primary aphakia. Last evaluated: 2024-05-16. Review status: criteria provided, single submitter. Criteria: Invitae Variant Classification Sherloc (09022015). Collection method: clinical testing. Allele origin: germline.
Comment: This sequence change replaces arginine, which is basic and polar, with histidine, which is basic and polar, at codon 104 of the FOXE3 protein (p.Arg104His). This variant is not present in population databases (gnomAD no frequency). This variant has not been reported in the literature in individuals affected with FOXE3-related conditions. ClinVar contains an entry for this variant (Variation ID: 1727844). Advanced modeling of protein sequence and biophysical properties (such as structural, functional, and spatial information, amino acid conservation, physicochemical variation, residue mobility, and thermodynamic stability) has been performed at Invitae for this missense variant, however the output from this modeling did not meet the statistical confidence thresholds required to predict the impact of this variant on FOXE3 protein function. In summary, the available evidence is currently insufficient to determine the role of this variant in disease. Therefore, it has been classified as a Variant of Uncertain Significance.

Ambry Genetics
Classification: Uncertain significance for Cardiovascular phenotype. Last evaluated: 2024-05-02. Review status: criteria provided, single submitter. Criteria: Ambry Variant Classification Scheme 2023. Collection method: clinical testing. Allele origin: germline.
Comment: The p.R104H variant (also known as c.311G>A), located in coding exon 1 of the FOXE3 gene, results from a G to A substitution at nucleotide position 311. The arginine at codon 104 is replaced by histidine, an amino acid with highly similar properties. This amino acid position is conserved. In addition, the in silico prediction for this alteration is inconclusive. Since supporting evidence is limited at this time, the clinical significance of this alteration remains unclear.